The following is an entry in ClinVar:

NM_000211.5(ITGB2):c.1081A>C (p.Asn361His)

Gene: ITGB2 (integrin subunit beta 2; minus strand). Cytogenetic location: 21q22.3.
Variant type: single nucleotide variant.
Coding change: c.1081A>C on transcript NM_000211.5 (MANE Select); coding-DNA position 1081, A replaced by C.
Protein change: p.Asn361His; replaces asparagine 361 with histidine.
Molecular consequence: missense variant.
Genome position (GRCh38, 1-based): chr21:44,894,973, T>G on the plus strand (A>C on the coding strand, the complement: ITGB2 is on the minus strand). VCF-style: chr21-44894973-T-G. GRCh37 (hg19) VCF-style: chr21-46314888-T-G.
Other names: c.1081A>C, p.Asn361His (NM_001127491.3); c.874A>C, p.Asn292His (NM_001303238.2); short protein forms N361H, N292H.
Identifiers: ClinVar variation 843974 (VCV000843974.7), dbSNP rs2083842316, ClinGen allele CA410486199.

ClinVar aggregate classification (germline): Uncertain significance (1 of 4 stars; one submission).

Conditions:
Leukocyte adhesion deficiency 1 (LAD1). Also called: LEUKOCYTE ADHESION DEFICIENCY, TYPE I; LAD 1; Lymphocyte function-associated antigen 1 immunodeficiency; LFA 1 immunodeficiency. Identifiers: Orphanet 2968, Orphanet 99842, MedGen C0398738, MONDO:0007293, OMIM 116920.

Allele frequency attached by ClinVar (database versions not stated): gnomAD exomes below 0.00001.
gnomAD v4.1: 4 of 1,601,614 alleles (0.00025%); highest among the groups gnomAD compares: Non-Finnish European, 0.00026%; no homozygotes.

Submission:

Labcorp Genetics (formerly Invitae), Labcorp
Classification: Uncertain significance for Leukocyte adhesion deficiency 1. Last evaluated: 2022-03-19. Review status: criteria provided, single submitter. Criteria: Invitae Variant Classification Sherloc (09022015). Collection method: clinical testing. Allele origin: germline.
Comment: This sequence change replaces asparagine, which is neutral and polar, with histidine, which is basic and polar, at codon 361 of the ITGB2 protein (p.Asn361His). This variant is not present in population databases (gnomAD no frequency). This variant has not been reported in the literature in individuals affected with ITGB2-related conditions. ClinVar contains an entry for this variant (Variation ID: 843974). Algorithms developed to predict the effect of missense changes on protein structure and function (SIFT, PolyPhen-2, Align-GVGD) all suggest that this variant is likely to be tolerated. In summary, the available evidence is currently insufficient to determine the role of this variant in disease. Therefore, it has been classified as a Variant of Uncertain Significance.